The following is an entry in ClinVar:

NM_000038.6(APC):c.3693C>A (p.Leu1231=)

Gene: APC (APC regulator of Wnt signaling pathway; plus strand). Cytogenetic location: 5q22.2.
Variant type: single nucleotide variant.
Coding change: c.3693C>A on transcript NM_000038.6 (MANE Select); coding-DNA position 3693, C replaced by A.
Protein change: p.Leu1231=; no amino-acid change (leucine 1231 retained).
Molecular consequence: synonymous variant. On other transcripts: non-coding transcript variant (2).
Genome position (GRCh38, 1-based): chr5:112,839,287, C>A. VCF-style: chr5-112839287-C-A. GRCh37 (hg19) VCF-style: chr5-112174984-C-A.
Other names: c.2844C>A, p.Leu948= (NM_001354906.2, NM_001407470.1); c.3777C>A, p.Leu1259= (NM_001407446.1); c.3747C>A, p.Leu1249= (NM_001407447.1, NM_001407448.1, NM_001407449.1 and 1 more transcripts); c.3693C>A, p.Leu1231= (NM_001407450.1, NM_001127510.3, NM_001354895.2); c.3672C>A, p.Leu1224= (NM_001407451.1); c.3663C>A, p.Leu1221= (NM_001407452.1); c.3516C>A, p.Leu1172= (NM_001407453.1, NM_001354901.2); c.3444C>A, p.Leu1148= (NM_001407454.1, NM_001407455.1, NM_001407456.1 and 1 more transcripts); and 11 more.
Identifiers: ClinVar variation 3148725 (VCV003148725.1), dbSNP rs1554085234, ClinGen allele CA445963897.
Genomic context (GRCh38, chr5:112,839,287, plus strand): 5'-GTCTTCAAGCAGTGAGAATACGTCCACACCTTCATCTAATGCCAAGAGGCAGAATCAGCT[C>A]CATCCAAGTTCTGCACAGAGTAGAAGTGGTCAGCCTCAAAAGGCTGCCACTTGCAAAGTT-3'
Protein context (NP_000029.2, residues 1221-1241): PSSNAKRQNQ[Leu1231=]HPSSAQSRSG

ClinVar aggregate classification (germline): Benign (1 of 4 stars; one submission).

Conditions:
Familial adenomatous polyposis 1 (FAP1). Also called: POLYPOSIS, ADENOMATOUS INTESTINAL; FAMILIAL ADENOMATOUS POLYPOSIS 1, ATTENUATED. Identifiers: MedGen C2713442, MONDO:0021056, OMIM 175100. Disease mechanism: loss of function.

Submission:

Myriad Genetics, Inc.
Classification: Benign for Familial adenomatous polyposis 1. Last evaluated: 2024-03-22. Review status: criteria provided, single submitter. Criteria: Myriad Autosomal Dominant, Autosomal Recessive and X-Linked Classification Criteria (2023). Collection method: clinical testing. Allele origin: unknown.
Comment: This variant is considered benign. This variant is a silent/synonymous amino acid change and it is not expected to impact splicing.